The following is an entry in ClinVar:

NC_000008.10:g.(100287483_100396435)_(100589862_100654038)del

Gene: VPS13B (vacuolar protein sorting 13 homolog B; plus strand). Cytogenetic location: 8q22.2.
Variant type: Deletion.
Identifiers: ClinVar variation 3907120 (VCV003907120.1).

ClinVar aggregate classification (germline): Pathogenic (1 of 4 stars; one submission).

Conditions:
Cohen syndrome (COH1). Also called: Cutis verticis gyrata, retinitis pigmentosa, and sensorineural deafness; PEPPER SYNDROME. Identifiers: Orphanet 193, MedGen C0265223, MONDO:0008999, OMIM 216550.

Submission:

Women's Health and Genetics/Laboratory Corporation of America, LabCorp
Classification: Pathogenic for Cohen syndrome. Last evaluated: 2025-06-16. Review status: criteria provided, single submitter. Criteria: LabCorp Variant Classification Summary - May 2015. Collection method: clinical testing. Allele origin: germline.
Comment: Variant summary: The variant involves the deletion of exons 20-33 in the VPS13B gene. This Copy Number Variant (CNV) is expected to alter the reading frame and predicted to result in a truncation or absence of the encoded protein due to nonsense mediated decay (NMD). A presumed nomenclature of c.(2824+1_2825-1)_(5295+1_5296-1)del has been designated for the purposes of this classification. The variant was absent in 21694 control chromosomes. To our knowledge, no occurrence of c.(2824+1_2825-1)_(5295+1_5296-1)del in individuals affected with Cohen Syndrome and no experimental evidence demonstrating its impact on protein function have been reported. ClinVar contains an entry for this variant (Variation ID: 2426384). Based on the evidence outlined above, the variant was classified as pathogenic.